The following is an entry in ClinVar:

ClinVar aggregate classification (germline): Uncertain significance (1 of 4 stars; one submission).

Conditions:
POLA1-related disorder. Also called: POLA1-related condition.

Submission:

PreventionGenetics, part of Exact Sciences
Classification: Uncertain significance for POLA1-related condition. Last evaluated: 2022-11-16. Review status: criteria provided, single submitter. Criteria: ACMG Guidelines, 2015. Collection method: clinical testing. Allele origin: germline.
Comment: The POLA1 c.607C>T variant is predicted to result in the amino acid substitution p.Pro203Ser. To our knowledge, this variant has not been reported in the literature or in a large population database, indicating this variant is rare. At this time, the clinical significance of this variant is uncertain due to the absence of conclusive functional and genetic evidence.

NM_001330360.2(POLA1):c.625C>T (p.Pro209Ser)

Gene: POLA1 (DNA polymerase alpha 1, catalytic subunit; plus strand). Cytogenetic location: Xp22.11.
Variant type: single nucleotide variant.
Coding change: c.625C>T on transcript NM_001330360.2 (MANE Select); coding-DNA position 625, C replaced by T.
Protein change: p.Pro209Ser; replaces proline 209 with serine.
Molecular consequence: missense variant. On other transcripts: non-coding transcript variant (2).
Genome position (GRCh38, 1-based): chrX:24,716,890, C>T. VCF-style: chrX-24716890-C-T. GRCh37 (hg19) VCF-style: chrX-24735007-C-T.
Other names: c.625C>T, p.Pro209Ser (NM_001378303.1); c.607C>T, p.Pro203Ser (NM_016937.4); short protein forms P203S, P209S.
Identifiers: ClinVar variation 2636773 (VCV002636773.1), dbSNP rs2518761860, ClinGen allele CA412528706.